The following is an entry in ClinVar:

NM_000059.4(BRCA2):c.7379_7382del (p.Asn2460fs)

Gene: BRCA2 (BRCA2 DNA repair associated; plus strand). Cytogenetic location: 13q13.1.
Variant type: Deletion.
Coding change: c.7379_7382del on transcript NM_000059.4 (MANE Select); coding-DNA positions 7379 to 7382, 4 bases deleted (ACAA; older notation c.7379_7382delACAA).
Protein change: p.Asn2460fs; shifts the reading frame from asparagine 2460.
Molecular consequence: frameshift variant.
Genome position (GRCh38, 1-based): chr13:32,355,232-32,355,235, ACAA deleted; deleting any 4 consecutive bases within chr13:32,355,230-32,355,235 gives the same sequence; the c. name uses the placement nearest the transcript's 3' end. VCF-style (leftmost placement, unchanged base first): chr13-32355229-AAAAC-A. GRCh37 (hg19) VCF-style: chr13-32929366-AAAAC-A.
Other names: 7607del4; c.7379_7382delACAA (NM_000059.3).
Identifiers: ClinVar variation 38091 (VCV000038091.26), dbSNP rs80359648, ClinGen allele CA025048.

ClinVar aggregate classification (germline): Pathogenic. Review status: reviewed by expert panel (3 of 4 stars). 11 submissions from 11 submitters: Pathogenic (1). 10 of the submissions do not count toward it. Last evaluated 2016-09-08.

Conditions:
Hereditary cancer-predisposing syndrome. Also called: Neoplastic Syndromes, Hereditary; Tumor predisposition; Hereditary Cancer Syndrome; Hereditary neoplastic syndrome. Identifiers: Orphanet 140162, MedGen C0027672, MeSH D009386, MONDO:0015356.
Hereditary breast ovarian cancer syndrome. Also called: Hereditary breast and ovarian cancer; Breast and ovarian cancer; Hereditary breast and/or ovarian cancer syndrome; Hereditary breast and ovarian cancer syndrome (HBOC); Hereditary breast and ovarian cancer syndrome; BRCA1- and BRCA2-Associated Hereditary Breast and Ovarian Cancer. Identifiers: Orphanet 145, MedGen C0677776, MeSH D061325, MONDO:0003582. Disease mechanism: loss of function.
Breast-ovarian cancer, familial, susceptibility to, 2 (BROVCA2). Also called: BRCA2 Hereditary Breast and Ovarian Cancer. Identifiers: Orphanet 145, MedGen C2675520, MONDO:0012933, OMIM 612555. Disease mechanism: loss of function.

Submissions (11):

Evidence-based Network for the Interpretation of Germline Mutant Alleles (ENIGMA)
Classification: Pathogenic for Breast-ovarian cancer, familial, susceptibility to, 2. Last evaluated: 2016-09-08. Review status: reviewed by expert panel. Criteria: ENIGMA BRCA1/2 Classification Criteria (2015). Collection method: curation. Allele origin: germline.
Comment: Variant allele predicted to encode a truncated non-functional protein.

CeGaT Center for Human Genetics Tuebingen
Classification: Pathogenic. Last evaluated: 2026-02-01. Review status: criteria provided, single submitter. Criteria: CeGaT Center For Human Genetics Tuebingen Variant Classification Criteria Version 2. Collection method: clinical testing. Allele origin: germline. Affected: yes. Observed: 1 variant allele. Not counted in ClinVar's aggregate classification.
Comment: BRCA2: PVS1, PM2, PS4:Moderate

Ambry Genetics
Classification: Pathogenic for Hereditary cancer-predisposing syndrome. Last evaluated: 2025-07-16. Review status: criteria provided, single submitter. Criteria: Ambry Variant Classification Scheme 2023. Collection method: clinical testing. Allele origin: germline. Not counted in ClinVar's aggregate classification.
Comment: The c.7379_7382delACAA pathogenic mutation, located in coding exon 13 of the BRCA2 gene, results from a deletion of 4 nucleotides at nucleotide positions 7379 to 7382, causing a translational frameshift with a predicted alternate stop codon (p.N2460Tfs*8). This mutation (also designated as c.7377_7380del) has been primarily identified in Asian high-risk breast/ovarian cancer families (Dong H et al. J Med Genet, 2020 May; Bhaskaran SP et al. Int J Cancer, 2019 08;145:962-973; Rebbeck TR et al. Breast Cancer Res, 2016 11;18:112). This alteration is expected to result in loss of function by premature protein truncation or nonsense-mediated mRNA decay. As such, this alteration is interpreted as a disease-causing mutation.

Labcorp Genetics (formerly Invitae), Labcorp
Classification: Pathogenic for Hereditary breast ovarian cancer syndrome. Last evaluated: 2025-03-05. Review status: criteria provided, single submitter. Criteria: Invitae Variant Classification Sherloc (09022015). Collection method: clinical testing. Allele origin: germline. Not counted in ClinVar's aggregate classification.
Comment: This sequence change creates a premature translational stop signal (p.Asn2460Thrfs*8) in the BRCA2 gene. It is expected to result in an absent or disrupted protein product. Loss-of-function variants in BRCA2 are known to be pathogenic (PMID: 20104584). This variant is present in population databases (rs80359648, gnomAD 0.006%). This premature translational stop signal has been observed in individual(s) with breast cancer (PMID: 27836010, 29487695). ClinVar contains an entry for this variant (Variation ID: 38091). Algorithms developed to predict the effect of sequence changes on RNA splicing suggest that this variant may disrupt the consensus splice site. For these reasons, this variant has been classified as Pathogenic.

Molecular Pathology, Peter Maccallum Cancer Centre
Classification: Pathogenic for Breast-ovarian cancer, familial, susceptibility to, 2. Last evaluated: 2024-11-04. Review status: criteria provided, single submitter. Criteria: ACMG Guidelines, 2015. Collection method: clinical testing. Allele origin: germline. Inheritance: Autosomal dominant inheritance. Not counted in ClinVar's aggregate classification.

Color Diagnostics, LLC DBA Color Health
Classification: Pathogenic for Hereditary cancer-predisposing syndrome. Last evaluated: 2020-01-15. Review status: criteria provided, single submitter. Criteria: ACMG Guidelines, 2015. Collection method: clinical testing. Allele origin: germline. Not counted in ClinVar's aggregate classification.
Comment: This variant deletes 4 nucleotides in exon 14 of the BRCA2 gene, creating a frameshift and premature translation stop signal. This variant is expected to result in an absent or non-functional protein product. This variant has been identified in 1/251086 chromosomes in the general population by the Genome Aggregation Database (gnomAD). Loss of BRCA2 function is a known mechanism of disease. Based on the available evidence, this variant is classified as Pathogenic.

Quest Diagnostics Nichols Institute San Juan Capistrano
Classification: Pathogenic. Last evaluated: 2018-10-20. Review status: criteria provided, single submitter. Criteria: Quest Diagnostics criteria. Collection method: clinical testing. Allele origin: germline. Not counted in ClinVar's aggregate classification.
Comment: The variant results in a shift of the reading frame, and is therefore predicted to significantly disrupt the protein structure. Found in at least one symptomatic patient, and found in general population data that is consistent with pathogenicity.

Consortium of Investigators of Modifiers of BRCA1/2 (CIMBA), c/o University of Cambridge
Classification: Pathogenic for Breast-ovarian cancer, familial, susceptibility to, 2. Last evaluated: 2015-10-02. Review status: criteria provided, single submitter. Criteria: CIMBA Mutation Classification guidelines May 2016. Collection method: clinical testing. Allele origin: germline. Not counted in ClinVar's aggregate classification.

Research Molecular Genetics Laboratory, Women's College Hospital, University of Toronto
Classification: Pathogenic for Hereditary breast ovarian cancer syndrome. Last evaluated: 2014-01-31. Review status: no assertion criteria provided. Collection method: research. Allele origin: germline. Affected: yes. Study: The Canadian Open Genetics Repository (COGR). Not counted in ClinVar's aggregate classification.

Sharing Clinical Reports Project (SCRP)
Classification: Pathogenic for Breast-ovarian cancer, familial 2. Last evaluated: 2009-02-20. Review status: no assertion criteria provided. Collection method: clinical testing. Allele origin: germline. Not counted in ClinVar's aggregate classification.

Breast Cancer Information Core (BIC) (BRCA2)
Classification: Pathogenic for Breast-ovarian cancer, familial 2. Last evaluated: 2003-12-23. Review status: no assertion criteria provided. Collection method: clinical testing. Allele origin: germline. Affected: yes. Observed: 1 variant allele. Not counted in ClinVar's aggregate classification.

Literature cited by the submitters: PubMed 27836010 (cited by Ambry Genetics and Labcorp Genetics (formerly Invitae), Labcorp); PubMed 30702160 (cited by Ambry Genetics); PubMed 32467295 (cited by Ambry Genetics); PubMed 20104584 (cited by Labcorp Genetics (formerly Invitae), Labcorp); PubMed 29487695 (cited by Labcorp Genetics (formerly Invitae), Labcorp); PubMed 29446198 (cited by Quest Diagnostics Nichols Institute San Juan Capistrano); PubMed 21702907 (cited by Quest Diagnostics Nichols Institute San Juan Capistrano).